The following is an entry in ClinVar:

NM_004239.4(TRIP11):c.4500C>T (p.Cys1500=)

Gene: TRIP11 (thyroid hormone receptor interactor 11; minus strand). Cytogenetic location: 14q32.12.
Variant type: single nucleotide variant.
Coding change: c.4500C>T on transcript NM_004239.4 (MANE Select); coding-DNA position 4500, C replaced by T.
Protein change: p.Cys1500=; no amino-acid change (cysteine 1500 retained).
Molecular consequence: synonymous variant.
Genome position (GRCh38, 1-based): chr14:92,003,476, G>A on the plus strand (C>T on the coding strand, the complement: TRIP11 is on the minus strand). VCF-style: chr14-92003476-G-A. GRCh37 (hg19) VCF-style: chr14-92469820-G-A.
Other names: c.4497C>T, p.Cys1499= (NM_001321851.1).
Identifiers: ClinVar variation 384762 (VCV000384762.9), dbSNP rs140939244, ClinGen allele CA7313446.
Genomic context (GRCh38, chr14:92,003,476, plus strand): 5'-CACCTGTTCTTTCTCTTTCAATAGCTGTTCAAAAGCAAGAGCCTTCTCCTTCATTGAGTG[G>A]CACTCAAACTCTTTTTCTCGCAGCATCATAGAAAACTTCATGTTAGTCTCTTGTAACGCT-3'
Protein context (NP_004230.2, residues 1490-1510): SMMLREKEFE[Cys1500=]HSMKEKALAF

ClinVar aggregate classification (germline): Benign/Likely benign. Review status: criteria provided, multiple submitters, no conflicts (2 of 4 stars). 3 submissions from 3 submitters: Benign (1); Likely benign (2). Last evaluated 2025-09-13.

Conditions:
Achondrogenesis, type IA (ACG1A). Identifiers: Orphanet 932, Orphanet 93299, MedGen C0265273, MONDO:0008701, OMIM 200600.

Allele frequency attached by ClinVar (database versions not stated): gnomAD exomes 0.00008 and 0.00019; TOPMed 0.00009; gnomAD 0.00011 and 0.00012; ESP Exome Variant Server 0.00015; ExAC 0.00016.
gnomAD v4.1: 144 of 1,613,882 alleles (0.0089%); highest among the groups gnomAD compares: Non-Finnish European, 0.0012%; no homozygotes.

Submissions (3):

Labcorp Genetics (formerly Invitae), Labcorp
Classification: Benign for Achondrogenesis, type IA. Last evaluated: 2025-09-13. Review status: criteria provided, single submitter. Criteria: Invitae Variant Classification Sherloc (09022015). Collection method: clinical testing. Allele origin: germline.

GeneDx
Classification: Likely benign. Last evaluated: 2016-03-21. Review status: criteria provided, single submitter. Criteria: GeneDx Variant Classification (06012015). Collection method: clinical testing. Allele origin: germline. Affected: yes.
Comment: This variant is considered likely benign or benign based on one or more of the following criteria: it is a conservative change, it occurs at a poorly conserved position in the protein, it is predicted to be benign by multiple in silico algorithms, and/or has population frequency not consistent with disease.

Breakthrough Genomics
Classification: Likely benign. Review status: criteria provided, single submitter. Criteria: ACMG Guidelines, 2015. Collection method: not provided. Allele origin: germline. Inheritance: Autosomal recessive inheritance. Affected: yes.